The following is an entry in ClinVar:

NM_001267550.2(TTN):c.85929del (p.Arg28644fs)

Genes: TTN (titin; minus strand), TTN-AS1 (TTN antisense RNA 1; plus strand). Cytogenetic location: 2q31.2.
Variant type: Deletion.
Coding change: c.85929del on transcript NM_001267550.2 (MANE Select); coding-DNA position 85929, one base deleted (T; older notation c.85929delT).
Protein change: p.Arg28644fs; shifts the reading frame from arginine 28644.
Molecular consequence: frameshift variant.
Genome position (GRCh38, 1-based): chr2:178,560,203, A deleted on the plus strand (T on the coding strand, the reverse complement: TTN is on the minus strand); the first of 2 consecutive A bases (chr2:178,560,203-178,560,204); deleting either gives the same sequence. VCF-style (leftmost placement, unchanged base first): chr2-178560202-TA-T. GRCh37 (hg19) VCF-style: chr2-179424929-TA-T.
Other names: c.58734delT (NM_003319.4); c.81006del, p.Arg27003fs (NM_001256850.1); c.58734del, p.Arg19579fs (NM_003319.4); c.78225del, p.Arg26076fs (NM_133378.4); c.59109del, p.Arg19704fs (NM_133432.3); c.59310del, p.Arg19771fs (NM_133437.4); short protein forms R19579fs, R19704fs, R19771fs, R27003fs, R28644fs, R26076fs.
Identifiers: ClinVar variation 4193793 (VCV004193793.2).

ClinVar aggregate classification (germline): Likely pathogenic. Review status: criteria provided, multiple submitters, no conflicts (2 of 4 stars). 2 submissions from 2 submitters: Likely pathogenic (2). Last evaluated 2025-09-12.

Conditions:
Autosomal recessive limb-girdle muscular dystrophy type 2J (LGMDR10). Also called: Limb-girdle muscular dystrophy, type 2J; MUSCULAR DYSTROPHY, LIMB-GIRDLE, AUTOSOMAL RECESSIVE 10. Identifiers: Orphanet 140922, MedGen C1837342, MONDO:0012127, OMIM 608807.
Dilated cardiomyopathy 1G (CMD1G). Identifiers: Orphanet 154, MedGen C1858763, MONDO:0011400, OMIM 604145.
Cardiovascular phenotype. Identifiers: MedGen CN230736.

Submissions (2):

Ambry Genetics
Classification: Likely pathogenic for Cardiovascular phenotype. Last evaluated: 2025-09-12. Review status: criteria provided, single submitter. Criteria: Ambry Variant Classification Scheme 2023. Collection method: clinical testing. Allele origin: germline.
Comment: The c.58734delT variant, located in coding exon 153 of the TTN gene, results from a deletion of one nucleotide at nucleotide position 58734, causing a translational frameshift with a predicted alternate stop codon (p.R19579Gfs*25). This exon is located in the A-band region of the N2-B isoform of the titin protein and is constitutively expressed in TTN transcripts (percent spliced in or PSI 100%). This variant is considered to be rare based on population cohorts in the Genome Aggregation Database (gnomAD). This variant is expected to result in loss of function by premature protein truncation or nonsense-mediated mRNA decay. While truncating variants in TTN are present in 1-3% of the general population, truncating variants in the A-band are the most common cause of dilated cardiomyopathy (Herman DS et al. N. Engl. J. Med., 2012 Feb;366:619-28; Roberts AM et al. Sci Transl Med, 2015 Jan;7:270ra6). TTN truncating variants encoded in constitutive exons (PSI >90%) have been found to be significantly associated with DCM regardless of their position in titin (Schafer S et al. Nat. Genet., 2017 01;49:46-53; Akhtar MM et al. Circ Heart Fail, 2020 Oct;13:e006832; Massier M et al. Clin Genet, 2025 Jan). Based on the majority of available evidence to date, this variant is likely to be pathogenic.

Labcorp Genetics (formerly Invitae), Labcorp
Classification: Likely pathogenic for Dilated cardiomyopathy 1G; Autosomal recessive limb-girdle muscular dystrophy type 2J. Last evaluated: 2025-06-07. Review status: criteria provided, single submitter. Criteria: Invitae Variant Classification Sherloc (09022015). Collection method: clinical testing. Allele origin: germline.
Comment: This sequence change creates a premature translational stop signal (p.Arg28644Glyfs*25) in the TTN gene. While this is not anticipated to result in nonsense mediated decay, it is expected to create a truncated TTN protein. This variant is not present in population databases (gnomAD no frequency). This variant has not been reported in the literature in individuals affected with TTN-related conditions. This variant is located in the A band of TTN (PMID: 25589632). Truncating variants in this region are significantly overrepresented in patients affected with dilated cardiomyopathy (PMID: 25589632). Truncating variants in this region have also been reported in individuals affected with autosomal recessive centronuclear myopathy (PMID: 23975875). In summary, the currently available evidence indicates that the variant is pathogenic, but additional data are needed to prove that conclusively. Therefore, this variant has been classified as Likely Pathogenic.

Literature cited by the submitters: PubMed 25589632 (cited by Labcorp Genetics (formerly Invitae), Labcorp); PubMed 23975875 (cited by Labcorp Genetics (formerly Invitae), Labcorp).